The following is an entry in ClinVar:

NM_013450.4(BAZ2B):c.2804A>G (p.Lys935Arg)

Gene: BAZ2B (bromodomain adjacent to zinc finger domain 2B; minus strand). Cytogenetic location: 2q24.2.
Variant type: single nucleotide variant.
Coding change: c.2804A>G on transcript NM_013450.4 (MANE Select); coding-DNA position 2804, A replaced by G.
Protein change: p.Lys935Arg; replaces lysine 935 with arginine.
Molecular consequence: missense variant.
Genome position (GRCh38, 1-based): chr2:159,404,877, T>C on the plus strand (A>G on the coding strand, the complement: BAZ2B is on the minus strand). VCF-style: chr2-159404877-T-C. GRCh37 (hg19) VCF-style: chr2-160261388-T-C.
Other names: c.2696A>G, p.Lys899Arg (NM_001289975.1); c.2615A>G, p.Lys872Arg (NM_001329857.2); c.2702A>G, p.Lys901Arg (NM_001329858.2); short protein forms K872R, K899R, K901R, K935R.
Identifiers: ClinVar variation 4999874 (VCV004999874.1).

ClinVar aggregate classification (germline): Uncertain significance (1 of 4 stars; one submission).

Conditions:
BAZ2B-related disorder. Also called: BAZ2B-related condition.

Submission:

PreventionGenetics, part of Exact Sciences
Classification: Uncertain significance for BAZ2B-related condition. Last evaluated: 2025-06-12. Review status: criteria provided, single submitter. Criteria: ACMG Guidelines, 2015. Collection method: clinical testing. Allele origin: germline.
Comment: The BAZ2B c.2696A>G variant is predicted to result in the amino acid substitution p.Lys899Arg. To our knowledge, this variant has not been reported in the literature or in a large population database (gnomAD), indicating this variant is rare. At this time, the clinical significance of this variant is uncertain due to the absence of conclusive functional and genetic evidence.